The following is an entry in ClinVar:

ClinVar aggregate classification (germline): Pathogenic (1 of 4 stars; one submission).

Conditions:
Familial cancer of breast. Also called: BREAST CANCER, FAMILIAL; Hereditary breast cancer; hereditary breast carcinoma. Identifiers: Orphanet 227535, MedGen C0346153, MONDO:0016419, OMIM 114480. Disease mechanism: loss of function.

Submission:

Myriad Genetics, Inc.
Classification: Pathogenic for Familial cancer of breast. Last evaluated: 2026-03-06. Review status: criteria provided, single submitter. Criteria: Myriad Autosomal Dominant, Autosomal Recessive and X-Linked Classification Criteria (2023). Collection method: clinical testing. Allele origin: unknown.
Comment: This variant is considered pathogenic. This variant creates a termination codon and is predicted to result in premature protein truncation.

NM_000051.4(ATM):c.5883T>A (p.Tyr1961Ter)

Genes: ATM (ATM serine/threonine kinase; plus strand), C11orf65 (chromosome 11 open reading frame 65; minus strand). Cytogenetic location: 11q22.3.
Variant type: single nucleotide variant.
Coding change: c.5883T>A on transcript NM_000051.4 (MANE Select); coding-DNA position 5883, T replaced by A.
Protein change: p.Tyr1961Ter; replaces tyrosine 1961 with a stop codon.
Molecular consequence: nonsense. On other transcripts: intron variant (2).
Genome position (GRCh38, 1-based): chr11:108,310,280, T>A. VCF-style: chr11-108310280-T-A. GRCh37 (hg19) VCF-style: chr11-108181007-T-A.
Other names: c.5883T>A, p.Tyr1961Ter (NM_001351834.2); c.641-1209A>T (NM_001330368.2); c.*39-1209A>T (NM_001351110.2); short protein forms Y1961*.
Identifiers: ClinVar variation 4856777 (VCV004856777.1).